The following is an entry in ClinVar:

ClinVar aggregate classification (germline): Likely benign (0 of 4 stars; one submission).

Conditions:
CASP1-related disorder. Also called: CASP1-related condition.

Allele frequency attached by ClinVar (database versions not stated): 1000 Genomes Project 30x 0.00016; 1000 Genomes Project 0.00020; gnomAD 0.00021; TOPMed 0.00023; ESP Exome Variant Server 0.00031; gnomAD exomes 0.00051; ExAC 0.00059.

Submission:

PreventionGenetics, part of Exact Sciences
Classification: Likely benign for CASP1-related condition. Last evaluated: 2023-01-19. Review status: no assertion criteria provided. Collection method: clinical testing. Allele origin: germline.
Comment: This variant is classified as likely benign based on ACMG/AMP sequence variant interpretation guidelines (Richards et al. 2015 PMID: 25741868, with internal and published modifications).

NM_001257118.3(CASP1):c.661C>T (p.Arg221Cys)

Gene: CASP1 (caspase 1; minus strand). Cytogenetic location: 11q22.3.
Variant type: single nucleotide variant.
Coding change: c.661C>T on transcript NM_001257118.3 (MANE Select); coding-DNA position 661, C replaced by T.
Protein change: p.Arg221Cys; replaces arginine 221 with cysteine.
Molecular consequence: missense variant. On other transcripts: intron variant (1).
Genome position (GRCh38, 1-based): chr11:105,029,866, G>A on the plus strand (C>T on the coding strand, the complement: CASP1 is on the minus strand). VCF-style: chr11-105029866-G-A. GRCh37 (hg19) VCF-style: chr11-104900593-G-A.
Other names: c.598C>T, p.Arg200Cys (NM_001223.5, NM_001257119.3); c.661C>T, p.Arg221Cys (NM_033292.4); c.382C>T, p.Arg128Cys (NM_033293.4, NM_033294.4); c.59-2915C>T (NM_033295.4); short protein forms R128C, R200C, R221C.
Identifiers: ClinVar variation 3050790 (VCV003050790.2), dbSNP rs151040610, ClinGen allele CA6257490.
Genomic context (GRCh38, chr11:105,029,866, plus strand): 5'-CCCGAATACCATGAGACATGAACACCAGGAACGTGCTGTCAGAGGTCTTGTGCTCTGGGC[G>A]GTGTGCAAATGCCTCCAGCTCTGTAGTCATGTCCTGAAAGACACCATATCACTGATTTTC-3'
Protein context (NP_001244047.1, residues 211-231): MTTELEAFAH[Arg221Cys]PEHKTSDSTF